The following is an entry in ClinVar:

ClinVar aggregate classification (germline): Likely benign (0 of 4 stars; one submission).

Conditions:
THSD1-related disorder. Also called: THSD1-related condition.

Allele frequency attached by ClinVar (database versions not stated): gnomAD 0.00010; gnomAD exomes 0.00020; ExAC 0.00021.
gnomAD v4.1: 327 of 1,614,098 alleles (0.02%); highest among the groups gnomAD compares: Middle Eastern, 0.15%; no homozygotes.

Submission:

PreventionGenetics, part of Exact Sciences
Classification: Likely benign for THSD1-related condition. Last evaluated: 2019-09-17. Review status: no assertion criteria provided. Collection method: clinical testing. Allele origin: germline.
Comment: This variant is classified as likely benign based on ACMG/AMP sequence variant interpretation guidelines (Richards et al. 2015 PMID: 25741868, with internal and published modifications).

NM_018676.4(THSD1):c.471G>A (p.Pro157=)

Gene: THSD1 (thrombospondin type 1 domain containing 1; minus strand). Cytogenetic location: 13q14.3.
Variant type: single nucleotide variant.
Coding change: c.471G>A on transcript NM_018676.4 (MANE Select); coding-DNA position 471, G replaced by A.
Protein change: p.Pro157=; no amino-acid change (proline 157 retained).
Molecular consequence: synonymous variant.
Genome position (GRCh38, 1-based): chr13:52,397,782, C>T on the plus strand (G>A on the coding strand, the complement: THSD1 is on the minus strand). VCF-style: chr13-52397782-C-T. GRCh37 (hg19) VCF-style: chr13-52971917-C-T.
Other names: c.471G>A, p.Pro157= (NM_199263.3).
Identifiers: ClinVar variation 3041671 (VCV003041671.2), dbSNP rs781662564, ClinGen allele CA6992192.